The following is an entry in ClinVar:

NM_001290060.2(SEMA3B):c.525G>T (p.Arg175=)

Gene: SEMA3B (semaphorin 3B; plus strand). Cytogenetic location: 3p21.31.
Variant type: single nucleotide variant.
Coding change: c.525G>T on transcript NM_001290060.2 (MANE Select); coding-DNA position 525, G replaced by T.
Protein change: p.Arg175=; no amino-acid change (arginine 175 retained).
Molecular consequence: synonymous variant.
Genome position (GRCh38, 1-based): chr3:50,271,162, G>T. VCF-style: chr3-50271162-G-T. GRCh37 (hg19) VCF-style: chr3-50308593-G-T.
Other names: c.525G>T, p.Arg175= (NM_001005914.3, NM_001290061.1, NM_004636.4).
Identifiers: ClinVar variation 3052272 (VCV003052272.1), dbSNP rs2470766262, ClinGen allele CA2665830585.

ClinVar aggregate classification (germline): Likely benign (1 of 4 stars; one submission).

Conditions:
SEMA3B-related disorder. Also called: SEMA3B-related condition.

Submission:

PreventionGenetics, part of Exact Sciences
Classification: Likely benign for SEMA3B-related condition. Last evaluated: 2024-01-16. Review status: criteria provided, single submitter. Criteria: ACMG Guidelines, 2015. Collection method: clinical testing. Allele origin: germline.
Comment: This variant is classified as likely benign based on ACMG/AMP sequence variant interpretation guidelines (Richards et al. 2015 PMID: 25741868, with internal and published modifications).